The following is an entry in ClinVar:

NM_003482.4(KMT2D):c.8382C>A (p.Gly2794=)

Gene: KMT2D (lysine methyltransferase 2D; minus strand). Cytogenetic location: 12q13.12.
Variant type: single nucleotide variant.
Coding change: c.8382C>A on transcript NM_003482.4 (MANE Select); coding-DNA position 8382, C replaced by A.
Protein change: p.Gly2794=; no amino-acid change (glycine 2794 retained).
Molecular consequence: synonymous variant.
Genome position (GRCh38, 1-based): chr12:49,038,974, G>T on the plus strand (C>A on the coding strand, the complement: KMT2D is on the minus strand). VCF-style: chr12-49038974-G-T. GRCh37 (hg19) VCF-style: chr12-49432757-G-T.
Identifiers: ClinVar variation 287271 (VCV000287271.64), dbSNP rs368967997, ClinGen allele CA6546838.

ClinVar aggregate classification (germline): Conflicting classifications of pathogenicity. Review status: criteria provided, conflicting classifications (1 of 4 stars). 6 submissions from 6 submitters: Uncertain significance (1); Likely benign (5). Last evaluated 2026-01-27.

Conditions:
Inborn genetic diseases. Identifiers: MedGen C0950123, MeSH D030342.
Kabuki syndrome. Also called: Kabuki make-up syndrome; NIIKAWA-KUROKI SYNDROME. Identifiers: Orphanet 2322, MedGen C0796004, MONDO:0016512.
Kabuki syndrome 1 (KABUK1). Also called: KMT2D-Related Kabuki Syndrome. Identifiers: Orphanet 2322, MedGen CN030661, MONDO:0007843, OMIM 147920.

Allele frequency attached by ClinVar (database versions not stated): ExAC 0.00009; 1000 Genomes Project 30x 0.00016; ESP Exome Variant Server 0.00018; gnomAD 0.00019 and 0.00020; 1000 Genomes Project 0.00020; TOPMed 0.00025.
gnomAD v4.1: 395 of 1,551,820 alleles (0.025%); highest among the groups gnomAD compares: Non-Finnish European, 0.032%; 1 homozygote.

Submissions (6):

Labcorp Genetics (formerly Invitae), Labcorp
Classification: Likely benign for Kabuki syndrome. Last evaluated: 2026-01-27. Review status: criteria provided, single submitter. Criteria: Invitae Variant Classification Sherloc (09022015). Collection method: clinical testing. Allele origin: germline.

CeGaT Center for Human Genetics Tuebingen
Classification: Likely benign. Last evaluated: 2025-09-01. Review status: criteria provided, single submitter. Criteria: CeGaT Center For Human Genetics Tuebingen Variant Classification Criteria Version 2. Collection method: clinical testing. Allele origin: germline. Affected: yes. Observed: 3 variant alleles.
Comment: KMT2D: BP4

Ambry Genetics
Classification: Likely benign for Inborn genetic diseases. Last evaluated: 2025-01-02. Review status: criteria provided, single submitter. Criteria: Ambry Variant Classification Scheme 2023. Collection method: clinical testing. Allele origin: germline.

GeneDx
Classification: Likely benign. Last evaluated: 2020-10-21. Review status: criteria provided, single submitter. Criteria: GeneDx Variant Classification Process June 2021. Collection method: clinical testing. Allele origin: germline. Affected: yes.

ARUP Laboratories, Molecular Genetics and Genomics, ARUP Laboratories
Classification: Likely benign for Kabuki syndrome 1. Last evaluated: 2019-12-08. Review status: criteria provided, single submitter. Criteria: ARUP Molecular Germline Variant Investigation Process. Collection method: clinical testing. Allele origin: germline.

Eurofins Ntd Llc (ga)
Classification: Uncertain significance. Last evaluated: 2016-04-19. Review status: criteria provided, single submitter. Criteria: EGL Classification Definitions 2015. Collection method: clinical testing. Allele origin: germline. Observed: 1 variant allele, 1 heterozygote.